The following is an entry in ClinVar:

NM_000548.5(TSC2):c.3145G>T (p.Glu1049Ter)

Gene: TSC2 (TSC complex subunit 2; plus strand). Cytogenetic location: 16p13.3.
Variant type: single nucleotide variant.
Coding change: c.3145G>T on transcript NM_000548.5 (MANE Select); coding-DNA position 3145, G replaced by T.
Protein change: p.Glu1049Ter; replaces glutamic acid 1049 with a stop codon.
Molecular consequence: nonsense.
Genome position (GRCh38, 1-based): chr16:2,079,289, G>T. VCF-style: chr16-2079289-G-T. GRCh37 (hg19) VCF-style: chr16-2129290-G-T.
Other names: c.3013G>T, p.Glu1005Ter (NM_001077183.3, NM_001370404.1); c.3145G>T, p.Glu1049Ter (NM_001114382.3); c.2905G>T, p.Glu969Ter (NM_001318827.2); c.2869G>T, p.Glu957Ter (NM_001318829.2); c.2413G>T, p.Glu805Ter (NM_001318831.2); c.3046G>T, p.Glu1016Ter (NM_001318832.2); c.3016G>T, p.Glu1006Ter (NM_001363528.2, NM_001370405.1, NM_021055.3); short protein forms E1016*, E805*, E957*, E1049*, E1005*, E1006*, E969*.
Identifiers: ClinVar variation 663337 (VCV000663337.6), dbSNP rs796053492, ClinGen allele CA394285222.
Genomic context (GRCh38, chr16:2,079,289, plus strand): 5'-GCGGGAGCTCCACGGGCAAGCTGGGTTTCACGCTCCCTGTCTTCTAGGTCTCCTGTGGGC[G>T]AGTTCCTCCTAGCGGGTGGCAGGACCAAAACCTGGCTGGTTGGGAACAAGCTTGTCACTG-3'

ClinVar aggregate classification (germline): Pathogenic (1 of 4 stars; one submission).

Conditions:
Tuberous sclerosis 2 (TSC2). Identifiers: Orphanet 805, MedGen C1860707, MONDO:0013199, OMIM 613254.

Submission:

Labcorp Genetics (formerly Invitae), Labcorp
Classification: Pathogenic for Tuberous sclerosis 2. Last evaluated: 2018-07-02. Review status: criteria provided, single submitter. Criteria: Invitae Variant Classification Sherloc (09022015). Collection method: clinical testing. Allele origin: germline.
Comment: For these reasons, this variant has been classified as Pathogenic. Loss-of-function variants in TSC2 are known to be pathogenic (PMID: 10205261, 17304050). This variant has not been reported in the literature in individuals with TSC2-related disease. This variant is not present in population databases (ExAC no frequency). This sequence change creates a premature translational stop signal (p.Glu1049*) in the TSC2 gene. It is expected to result in an absent or disrupted protein product.

Literature cited by the submitters: PubMed 10205261; PubMed 17304050.